The following is an entry in ClinVar:

ClinVar aggregate classification (germline): Uncertain significance (1 of 4 stars; one submission).

Conditions:
Jeune thoracic dystrophy. Also called: Jeune syndrome; Short-rib thoracic dysplasia; Infantile thoracic dystrophy; Thoracic pelvic phalangeal dystrophy; Jeune's syndrome; Chondroectodermal dysplasia-like syndrome. Identifiers: Orphanet 474, MedGen C0265275, MONDO:0018770.

Allele frequency attached by ClinVar (database versions not stated): TOPMed below 0.00001; gnomAD 0.00001.
gnomAD v4.1: 2 of 1,613,306 alleles (0.00012%); highest among the groups gnomAD compares: Non-Finnish European, 0.00017%; no homozygotes.

Submission:

Labcorp Genetics (formerly Invitae), Labcorp
Classification: Uncertain significance for Jeune thoracic dystrophy. Last evaluated: 2023-05-15. Review status: criteria provided, single submitter. Criteria: Invitae Variant Classification Sherloc (09022015). Collection method: clinical testing. Allele origin: germline.
Comment: In summary, the available evidence is currently insufficient to determine the role of this variant in disease. Therefore, it has been classified as a Variant of Uncertain Significance. Advanced modeling of protein sequence and biophysical properties (such as structural, functional, and spatial information, amino acid conservation, physicochemical variation, residue mobility, and thermodynamic stability) performed at Invitae indicates that this missense variant is not expected to disrupt IFT80 protein function. ClinVar contains an entry for this variant (Variation ID: 2149068). This variant has not been reported in the literature in individuals affected with IFT80-related conditions. This variant is not present in population databases (gnomAD no frequency). This sequence change replaces glutamic acid, which is acidic and polar, with lysine, which is basic and polar, at codon 674 of the IFT80 protein (p.Glu674Lys).

NM_020800.3(IFT80):c.2020G>A (p.Glu674Lys)

Genes: TRIM59-IFT80 (TRIM59-IFT80 readthrough (NMD candidate); minus strand), IFT80 (intraflagellar transport 80; minus strand). Cytogenetic location: 3q25.33.
Variant type: single nucleotide variant.
Coding change: c.2020G>A on transcript NM_020800.3 (MANE Select); coding-DNA position 2020, G replaced by A.
Protein change: p.Glu674Lys; replaces glutamic acid 674 with lysine.
Molecular consequence: missense variant. On other transcripts: non-coding transcript variant (3).
Genome position (GRCh38, 1-based): chr3:160,277,385, C>T on the plus strand (G>A on the coding strand, the complement: IFT80 is on the minus strand). VCF-style: chr3-160277385-C-T. GRCh37 (hg19) VCF-style: chr3-159995173-C-T.
Other names: c.1609G>A, p.Glu537Lys (NM_001190241.2, NM_001190242.2); short protein forms E537K, E674K.
Identifiers: ClinVar variation 2149068 (VCV002149068.2), dbSNP rs1459233110, ClinGen allele CA355190290.